The following is an entry in ClinVar:

ClinVar aggregate classification (germline): Likely benign. Review status: criteria provided, multiple submitters, no conflicts (2 of 4 stars). 2 submissions from 2 submitters: Likely benign (2). Last evaluated 2023-03-23.

Conditions:
Hereditary cancer-predisposing syndrome. Also called: Neoplastic Syndromes, Hereditary; Tumor predisposition; Hereditary Cancer Syndrome; Hereditary neoplastic syndrome. Identifiers: Orphanet 140162, MedGen C0027672, MeSH D009386, MONDO:0015356.

Submissions (2):

University of Washington Department of Laboratory Medicine, University of Washington
Classification: Likely benign for Hereditary cancer-predisposing syndrome. Last evaluated: 2023-03-23. Review status: criteria provided, single submitter. Criteria: Dines et al. (Genet Med. 2020). Collection method: curation. Allele origin: germline.
Comment: Missense variant in a coldspot region where missense variants are very unlikely to be pathogenic (PMID:31911673).

BRCA2 exon 11 coldspot. Reclassification based on statistical prior probability.

Ambry Genetics
Classification: Likely benign for Hereditary cancer-predisposing syndrome. Last evaluated: 2020-08-17. Review status: criteria provided, single submitter. Criteria: Ambry Variant Classification Scheme 2023. Collection method: clinical testing. Allele origin: germline.

Literature cited by the submitters: PubMed 29884841 (cited by Ambry Genetics).

NM_000059.4(BRCA2):c.4150T>G (p.Leu1384Val)

Gene: BRCA2 (BRCA2 DNA repair associated; plus strand). Cytogenetic location: 13q13.1.
Variant type: single nucleotide variant.
Coding change: c.4150T>G on transcript NM_000059.4 (MANE Select); coding-DNA position 4150, T replaced by G.
Protein change: p.Leu1384Val; replaces leucine 1384 with valine.
Molecular consequence: missense variant.
Genome position (GRCh38, 1-based): chr13:32,338,505, T>G. VCF-style: chr13-32338505-T-G. GRCh37 (hg19) VCF-style: chr13-32912642-T-G.
Other names: short protein forms L1384V.
Identifiers: ClinVar variation 481593 (VCV000481593.7), dbSNP rs779408742, ClinGen allele CA387779994.
Genomic context (GRCh38, chr13:32,338,505, plus strand): 5'-ATATGTCTTAAATTATCTGGCCAGTTTATGAAGGAGGGAAACACTCAGATTAAAGAAGAT[T>G]TGTCAGATTTAACTTTTTTGGAAGTTGCGAAAGCTCAAGAAGCATGTCATGGTAATACTT-3'
Protein context (NP_000050.3, residues 1374-1394): KEGNTQIKED[Leu1384Val]SDLTFLEVAK